The following is an entry in ClinVar:

NM_173551.5(ANKS6):c.1458T>C (p.Pro486=)

Gene: ANKS6 (ankyrin repeat and sterile alpha motif domain containing 6; minus strand). Cytogenetic location: 9q22.33.
Variant type: single nucleotide variant.
Coding change: c.1458T>C on transcript NM_173551.5 (MANE Select); coding-DNA position 1458, T replaced by C.
Protein change: p.Pro486=; no amino-acid change (proline 486 retained).
Molecular consequence: synonymous variant.
Genome position (GRCh38, 1-based): chr9:98,778,335, A>G on the plus strand (T>C on the coding strand, the complement: ANKS6 is on the minus strand). VCF-style: chr9-98778335-A-G. GRCh37 (hg19) VCF-style: chr9-101540617-A-G.
Identifiers: ClinVar variation 262841 (VCV000262841.37), dbSNP rs201904871, ClinGen allele CA5153491.

ClinVar aggregate classification (germline): Likely benign. Review status: criteria provided, multiple submitters, no conflicts (2 of 4 stars). 5 submissions from 5 submitters: Likely benign (5). Last evaluated 2026-05-01.

Conditions:
Nephronophthisis 16 (NPHP16). Identifiers: Orphanet 655, MedGen C3809320, MONDO:0014158, OMIM 615382.

Allele frequency attached by ClinVar (database versions not stated): 1000 Genomes Project 0.00040; 1000 Genomes Project 30x 0.00047; gnomAD 0.00048; gnomAD exomes 0.00048 and 0.00084; ExAC 0.00049; TOPMed 0.00057; ESP Exome Variant Server 0.00080.
gnomAD v4.1: 1,299 of 1,614,184 alleles (0.08%); highest among the groups gnomAD compares: Non-Finnish European, 0.1%; 2 homozygotes.

Submissions (5):

CeGaT Center for Human Genetics Tuebingen
Classification: Likely benign. Last evaluated: 2026-05-01. Review status: criteria provided, single submitter. Criteria: CeGaT Center For Human Genetics Tuebingen Variant Classification Criteria Version 2. Collection method: clinical testing. Allele origin: germline. Affected: yes. Observed: 3 variant alleles.
Comment: ANKS6: BP4, BP7

Labcorp Genetics (formerly Invitae), Labcorp
Classification: Likely benign for Nephronophthisis 16. Last evaluated: 2026-01-08. Review status: criteria provided, single submitter. Criteria: Invitae Variant Classification Sherloc (09022015). Collection method: clinical testing. Allele origin: germline.

Blueprint Genetics
Classification: Likely benign. Last evaluated: 2024-11-11. Review status: criteria provided, single submitter. Criteria: ACMG Guidelines, 2015. Collection method: clinical testing. Allele origin: germline.

Fulgent Genetics
Classification: Likely benign for Nephronophthisis 16. Last evaluated: 2022-04-20. Review status: criteria provided, single submitter. Criteria: ACMG Guidelines, 2015. Collection method: clinical testing. Allele origin: unknown.

PreventionGenetics, part of Exact Sciences
Classification: Likely benign. Review status: criteria provided, single submitter. Criteria: ACMG Guidelines, 2015. Collection method: clinical testing. Allele origin: germline.